The following is an entry in ClinVar:

ClinVar aggregate classification (germline): Benign (1 of 4 stars; one submission).

Allele frequency attached by ClinVar (database versions not stated): gnomAD exomes 0.43945; gnomAD 0.53536 and 0.53561; TOPMed 0.55108; 1000 Genomes Project 0.62260; 1000 Genomes Project 30x 0.62461.
gnomAD v4.1: 169,811 of 353,488 alleles (48%); highest among the groups gnomAD compares: African/African-American, 81%; 45,899 homozygotes.

Submission:

GeneDx
Classification: Benign. Last evaluated: 2018-06-14. Review status: criteria provided, single submitter. Criteria: GeneDx Variant Classification (06012015). Collection method: clinical testing. Allele origin: germline. Affected: yes.
Comment: This variant is considered likely benign or benign based on one or more of the following criteria: it is a conservative change, it occurs at a poorly conserved position in the protein, it is predicted to be benign by multiple in silico algorithms, and/or has population frequency not consistent with disease.

NM_017909.4(RMND1):c.613+254A>G

Gene: RMND1 (required for meiotic nuclear division 1 homolog; minus strand). Cytogenetic location: 6q25.1.
Variant type: single nucleotide variant.
Coding change: c.613+254A>G on transcript NM_017909.4 (MANE Select); 254 bases into the intron after coding-DNA position 613, A replaced by G.
Molecular consequence: intron variant.
Genome position (GRCh38, 1-based): chr6:151,436,192, T>C on the plus strand (A>G on the coding strand, the complement: RMND1 is on the minus strand). VCF-style: chr6-151436192-T-C. GRCh37 (hg19) VCF-style: chr6-151757327-T-C.
Other names: c.103+254A>G (NM_001271937.2).
Identifiers: ClinVar variation 683663 (VCV000683663.1), dbSNP rs9383893, ClinGen allele CA15457307.
Genomic context (GRCh38, chr6:151,436,192, plus strand): 5'-AACACACACAGACACACACAAACTAAAATAACTTCTTAATGTGCTAGAAATGAAGTAGTA[T>C]GACCTCTGACCACCTCAAGTAATAATGATCCTATAAATAATCTTAATAAATCATACTGAT-3'